The following is an entry in ClinVar:

NM_032603.5(LOXL3):c.1521C>T (p.Thr507=)

Gene: LOXL3 (lysyl oxidase like 3; minus strand). Cytogenetic location: 2p13.1.
Variant type: single nucleotide variant.
Coding change: c.1521C>T on transcript NM_032603.5 (MANE Select); coding-DNA position 1521, C replaced by T.
Protein change: p.Thr507=; no amino-acid change (threonine 507 retained).
Molecular consequence: synonymous variant.
Genome position (GRCh38, 1-based): chr2:74,535,350, G>A on the plus strand (C>T on the coding strand, the complement: LOXL3 is on the minus strand). VCF-style: chr2-74535350-G-A. GRCh37 (hg19) VCF-style: chr2-74762477-G-A.
Other names: c.1086C>T, p.Thr362= (NM_001289164.3); c.438C>T, p.Thr146= (NM_001289165.2); c.1521C>T (NM_032603.4).
Identifiers: ClinVar variation 2196414 (VCV002196414.5), dbSNP rs139671402, ClinGen allele CA1728872.

ClinVar aggregate classification (germline): Likely benign. Review status: criteria provided, multiple submitters, no conflicts (2 of 4 stars). 2 submissions from 2 submitters: Likely benign (2). Last evaluated 2026-01-08.

Conditions:
LOXL3-related disorder. Also called: LOXL3-related condition.

Allele frequency attached by ClinVar (database versions not stated): ExAC 0.00003; TOPMed 0.00012; gnomAD 0.00013; ESP Exome Variant Server 0.00023.
gnomAD v4.1: 28 of 1,614,046 alleles (0.0017%); highest among the groups gnomAD compares: African/African-American, 0.033%; no homozygotes.

Submissions (2):

Labcorp Genetics (formerly Invitae), Labcorp
Classification: Likely benign. Last evaluated: 2026-01-08. Review status: criteria provided, single submitter. Criteria: Invitae Variant Classification Sherloc (09022015). Collection method: clinical testing. Allele origin: germline.

PreventionGenetics, part of Exact Sciences
Classification: Likely benign for LOXL3-related condition. Last evaluated: 2025-03-24. Review status: criteria provided, single submitter. Criteria: ACMG Guidelines, 2015. Collection method: clinical testing. Allele origin: germline.
Comment: This variant is classified as likely benign based on ACMG/AMP sequence variant interpretation guidelines (Richards et al. 2015 PMID: 25741868, with internal and published modifications).